The following is an entry in ClinVar:

ClinVar aggregate classification (germline): Pathogenic. Review status: criteria provided, multiple submitters, no conflicts (2 of 4 stars). 5 submissions from 5 submitters: Pathogenic (4). 1 of the submissions does not count toward it. Last evaluated 2024-12-03.

Conditions:
Tuberous sclerosis syndrome (TSC). Also called: Tuberous Sclerosis Complex; Tuberous sclerosis. Identifiers: Orphanet 805, MedGen C0041341, MONDO:0001734.
Tuberous sclerosis 2 (TSC2). Identifiers: Orphanet 805, MedGen C1860707, MONDO:0013199, OMIM 613254.

Submissions (5):

Labcorp Genetics (formerly Invitae), Labcorp
Classification: Pathogenic for Tuberous sclerosis 2. Last evaluated: 2024-12-03. Review status: criteria provided, single submitter. Criteria: Invitae Variant Classification Sherloc (09022015). Collection method: clinical testing. Allele origin: germline.
Comment: This sequence change affects a donor splice site in intron 38 of the TSC2 gene. It is expected to disrupt RNA splicing. Variants that disrupt the donor or acceptor splice site typically lead to a loss of protein function (PMID: 16199547), and loss-of-function variants in TSC2 are known to be pathogenic (PMID: 10205261, 17304050). This variant is not present in population databases (gnomAD no frequency). Disruption of this splice site has been observed in individuals with autosomal dominant tuberous sclerosis complex (TSC) (PMID: 10533066, 20633017). ClinVar contains an entry for this variant (Variation ID: 49468). Algorithms developed to predict the effect of sequence changes on RNA splicing suggest that this variant may disrupt the consensus splice site. For these reasons, this variant has been classified as Pathogenic.

Genome-Nilou Lab
Classification: Pathogenic for Tuberous sclerosis 2. Last evaluated: 2021-11-07. Review status: criteria provided, single submitter. Criteria: ACMG Guidelines, 2015. Collection method: clinical testing. Allele origin: germline. Affected: no.

Center for Human Genetics, Inc
Classification: Pathogenic for Tuberous sclerosis 2. Last evaluated: 2016-11-01. Review status: criteria provided, single submitter. Criteria: ACMG Guidelines, 2015. Collection method: clinical testing. Allele origin: germline. Affected: yes.

Athena Diagnostics
Classification: Pathogenic for Tuberous sclerosis 2. Last evaluated: 2013-11-18. Review status: criteria provided, single submitter. Criteria: Athena Diagnostics Criteria. Collection method: clinical testing. Allele origin: germline. Inheritance: Autosomal dominant inheritance.

Tuberous sclerosis database (TSC2)
No classification provided. Condition: TSC. Review status: no classification provided. Criteria: Tuberous Sclerosis Database Assertion Criteria 2015. Collection method: curation. Allele origin: germline. Affected: yes. Not counted in ClinVar's aggregate classification.

Literature cited by the submitters: PubMed 16199547 (cited by Labcorp Genetics (formerly Invitae), Labcorp); PubMed 10205261 (cited by Labcorp Genetics (formerly Invitae), Labcorp); PubMed 17304050 (cited by Labcorp Genetics (formerly Invitae), Labcorp); PubMed 10533066 (cited by Labcorp Genetics (formerly Invitae), Labcorp); PubMed 20633017 (cited by Labcorp Genetics (formerly Invitae), Labcorp and Athena Diagnostics).

NM_000548.5(TSC2):c.4989+1G>A

Gene: TSC2 (TSC complex subunit 2; plus strand). Cytogenetic location: 16p13.3.
Variant type: single nucleotide variant.
Coding change: c.4989+1G>A on transcript NM_000548.5 (MANE Select); the canonical splice donor site of the intron after coding-DNA position 4989, G replaced by A.
Molecular consequence: splice donor variant.
Genome position (GRCh38, 1-based): chr16:2,086,872, G>A. VCF-style: chr16-2086872-G-A. GRCh37 (hg19) VCF-style: chr16-2136873-G-A.
Other names: c.3447+1G>A (NM_001406693.1, NM_001406692.1, NM_001406694.1); c.4881+1G>A (NM_001406667.1); c.4878+1G>A (NM_001406668.1); c.4680+1G>A (NM_001318827.2); c.4677+1G>A (NM_001406678.1); c.4320+1G>A (NM_001406682.1, NM_001406683.1); c.4317+1G>A (NM_001406684.1); c.4191+1G>A (NM_001406685.1, NM_001406686.1); and 26 more.
Identifiers: ClinVar variation 49468 (VCV000049468.10), dbSNP rs45517386, ClinGen allele CA021454.
Genomic context (GRCh38, chr16:2,086,872, plus strand): 5'-GACTTTGTGTCCATTGTCTACAATGACTCCGGTGAGGACTTCAAGCTTGGCACCATCAAG[G>A]TGAGTGAGGGGCCGTCAGTGAGGCTGGGCCCCAGGCAGGTGCCCACTGCTGTGTCCCGGG-3'